The following is an entry in ClinVar:

NM_005472.5(KCNE3):c.277C>T (p.His93Tyr)

Gene: KCNE3 (potassium voltage-gated channel subfamily E regulatory subunit 3; minus strand). Cytogenetic location: 11q13.4.
Variant type: single nucleotide variant.
Coding change: c.277C>T on transcript NM_005472.5 (MANE Select); coding-DNA position 277, C replaced by T.
Protein change: p.His93Tyr; replaces histidine 93 with tyrosine.
Molecular consequence: missense variant.
Genome position (GRCh38, 1-based): chr11:74,457,287, G>A on the plus strand (C>T on the coding strand, the complement: KCNE3 is on the minus strand). VCF-style: chr11-74457287-G-A. GRCh37 (hg19) VCF-style: chr11-74168332-G-A.
Other names: short protein forms H93Y.
Identifiers: ClinVar variation 1795900 (VCV001795900.4), dbSNP rs1863839795, ClinGen allele CA381973700.
Genomic context (GRCh38, chr11:74,457,287, plus strand): 5'-CTTCCACCGTCCCAGCCCTCTCGTGTTAGATCATAGACACACGGTTCTTGATATACACAT[G>A]ATAGGGGTCACTACGCTTGTCCACTTTGCGGGAGCGGGTGTATCCCAGGATGAGGCTGCC-3'
Protein context (NP_005463.1, residues 83-103): RKVDKRSDPY[His93Tyr]VYIKNRVSMI

ClinVar aggregate classification (germline): Uncertain significance. Review status: criteria provided, multiple submitters, no conflicts (2 of 4 stars). 2 submissions from 2 submitters: Uncertain significance (2). Last evaluated 2024-10-24.

Conditions:
Brugada syndrome 6 (BRGDA6). Identifiers: Orphanet 130, MedGen C2751089, MONDO:0013145, OMIM 613119.
Cardiovascular phenotype. Identifiers: MedGen CN230736.

Allele frequency attached by ClinVar (database versions not stated): gnomAD exomes below 0.00001; TOPMed 0.00001.

Submissions (2):

Labcorp Genetics (formerly Invitae), Labcorp
Classification: Uncertain significance for Brugada syndrome 6. Last evaluated: 2024-10-24. Review status: criteria provided, single submitter. Criteria: Invitae Variant Classification Sherloc (09022015). Collection method: clinical testing. Allele origin: germline.
Comment: This sequence change replaces histidine, which is basic and polar, with tyrosine, which is neutral and polar, at codon 93 of the KCNE3 protein (p.His93Tyr). This variant is not present in population databases (gnomAD no frequency). This variant has not been reported in the literature in individuals affected with KCNE3-related conditions. ClinVar contains an entry for this variant (Variation ID: 1795900). An algorithm developed to predict the effect of missense changes on protein structure and function (PolyPhen-2) suggests that this variant is likely to be disruptive. In summary, the available evidence is currently insufficient to determine the role of this variant in disease. Therefore, it has been classified as a Variant of Uncertain Significance.

Ambry Genetics
Classification: Uncertain significance for Cardiovascular phenotype. Last evaluated: 2024-02-16. Review status: criteria provided, single submitter. Criteria: Ambry Variant Classification Scheme 2023. Collection method: clinical testing. Allele origin: germline.
Comment: The p.H93Y variant (also known as c.277C>T), located in coding exon 1 of the KCNE3 gene, results from a C to T substitution at nucleotide position 277. The histidine at codon 93 is replaced by tyrosine, an amino acid with similar properties. This amino acid position is highly conserved in available vertebrate species. In addition, this alteration is predicted to be deleterious by in silico analysis. The evidence for this gene-disease relationship is limited; therefore, the clinical significance of this alteration is unclear.